The following is an entry in ClinVar:

ClinVar aggregate classification (germline): Uncertain significance (1 of 4 stars; one submission).

gnomAD v4.1: 14 of 152,198 alleles (0.0092%); highest among the groups gnomAD compares: African/African-American, 0.029%; no homozygotes.

Submission:

Greenwood Genetic Center Diagnostic Laboratories, Greenwood Genetic Center
Classification: Uncertain significance. Last evaluated: 2025-10-23. Review status: criteria provided, single submitter. Criteria: ACMG Guidelines, 2015. Collection method: clinical testing. Allele origin: germline. Affected: yes.
Comment: PM2, PM3, BP4

NM_001352754.2(ARMC9):c.1120-3089A>G

Gene: ARMC9 (armadillo repeat containing 9; plus strand). Cytogenetic location: 2q37.1.
Variant type: single nucleotide variant.
Coding change: c.1120-3089A>G on transcript NM_001352754.2 (MANE Select); 3089 bases into the intron before coding-DNA position 1120, A replaced by G.
Molecular consequence: intron variant.
Genome position (GRCh38, 1-based): chr2:231,267,893, A>G. VCF-style: chr2-231267893-A-G. GRCh37 (hg19) VCF-style: chr2-232132606-A-G.
Other names: c.1120-3089A>G (NM_001271466.4, NM_001352755.2, NM_001352756.2 and 3 more transcripts); c.1021-3089A>G (NM_001352757.2, NM_001352758.2).
Identifiers: ClinVar variation 4845591 (VCV004845591.1).